The following is an entry in ClinVar:

ClinVar aggregate classification (germline): Uncertain significance (1 of 4 stars; one submission).

Allele frequency attached by ClinVar (database versions not stated): gnomAD 0.00003.

Submission:

Labcorp Genetics (formerly Invitae), Labcorp
Classification: Uncertain significance. Last evaluated: 2025-03-08. Review status: criteria provided, single submitter. Criteria: Invitae Variant Classification Sherloc (09022015). Collection method: clinical testing. Allele origin: germline.
Comment: This sequence change replaces valine, which is neutral and non-polar, with isoleucine, which is neutral and non-polar, at codon 206 of the CETP protein (p.Val206Ile). This variant is present in population databases (rs775360565, gnomAD 0.03%). This variant has not been reported in the literature in individuals affected with CETP-related conditions. ClinVar contains an entry for this variant (Variation ID: 1994648). Invitae Evidence Modeling of protein sequence and biophysical properties (such as structural, functional, and spatial information, amino acid conservation, physicochemical variation, residue mobility, and thermodynamic stability) indicates that this missense variant is not expected to disrupt CETP protein function with a negative predictive value of 80%. In summary, the available evidence is currently insufficient to determine the role of this variant in disease. Therefore, it has been classified as a Variant of Uncertain Significance.

NM_000078.3(CETP):c.616G>A (p.Val206Ile)

Genes: CETP (cholesteryl ester transfer protein; plus strand), LOC130059064 (ATAC-STARR-seq lymphoblastoid active region 10867; plus strand). Cytogenetic location: 16q13.
Variant type: single nucleotide variant.
Coding change: c.616G>A on transcript NM_000078.3 (MANE Select); coding-DNA position 616, G replaced by A.
Protein change: p.Val206Ile; replaces valine 206 with isoleucine.
Molecular consequence: missense variant.
Genome position (GRCh38, 1-based): chr16:56,971,339, G>A. VCF-style: chr16-56971339-G-A. GRCh37 (hg19) VCF-style: chr16-57005251-G-A.
Other names: c.616G>A, p.Val206Ile (NM_001286085.2); short protein forms V206I.
Identifiers: ClinVar variation 1994648 (VCV001994648.4), dbSNP rs775360565, ClinGen allele CA8071013.